The following is an entry in ClinVar:

NM_004385.5(VCAN):c.4604A>T (p.Glu1535Val)

Genes: VCAN (versican; plus strand), VCAN-AS1 (VCAN antisense RNA 1; minus strand). Cytogenetic location: 5q14.3.
Variant type: single nucleotide variant.
Coding change: c.4604A>T on transcript NM_004385.5 (MANE Select); coding-DNA position 4604, A replaced by T.
Protein change: p.Glu1535Val; replaces glutamic acid 1535 with valine.
Molecular consequence: missense variant. On other transcripts: intron variant (2).
Genome position (GRCh38, 1-based): chr5:83,537,607, A>T. VCF-style: chr5-83537607-A-T. GRCh37 (hg19) VCF-style: chr5-82833426-A-T.
Other names: c.1643A>T, p.Glu548Val (NM_001164097.2); c.4004-7930A>T (NM_001164098.2); c.1043-7930A>T (NM_001126336.3); short protein forms E1535V, E548V.
Identifiers: ClinVar variation 3646266 (VCV003646266.2).

ClinVar aggregate classification (germline): Uncertain significance (1 of 4 stars; one submission).

Submission:

Labcorp Genetics (formerly Invitae), Labcorp
Classification: Uncertain significance. Last evaluated: 2024-03-23. Review status: criteria provided, single submitter. Criteria: Invitae Variant Classification Sherloc (09022015). Collection method: clinical testing. Allele origin: germline.
Comment: This sequence change replaces glutamic acid, which is acidic and polar, with valine, which is neutral and non-polar, at codon 1535 of the VCAN protein (p.Glu1535Val). This variant is not present in population databases (gnomAD no frequency). This variant has not been reported in the literature in individuals affected with VCAN-related conditions. An algorithm developed to predict the effect of missense changes on protein structure and function (PolyPhen-2) suggests that this variant is likely to be disruptive. In summary, the available evidence is currently insufficient to determine the role of this variant in disease. Therefore, it has been classified as a Variant of Uncertain Significance.